The following is an entry in ClinVar:

NM_024649.5(BBS1):c.1021C>T (p.Arg341Trp)

Genes: ZDHHC24 (zDHHC palmitoyltransferase 24; minus strand), BBS1 (Bardet-Biedl syndrome 1; plus strand). Cytogenetic location: 11q13.2.
Variant type: single nucleotide variant.
Coding change: c.1021C>T on transcript NM_024649.5 (MANE Select); coding-DNA position 1021, C replaced by T.
Protein change: p.Arg341Trp; replaces arginine 341 with tryptophan.
Molecular consequence: missense variant. On other transcripts: intron variant (1).
Genome position (GRCh38, 1-based): chr11:66,523,793, C>T. VCF-style: chr11-66523793-C-T. GRCh37 (hg19) VCF-style: chr11-66291264-C-T.
Other names: c.*22-2327G>A (NM_001348571.2); short protein forms R341W.
Identifiers: ClinVar variation 944920 (VCV000944920.12), dbSNP rs767395683, ClinGen allele CA6123590.

ClinVar aggregate classification (germline): Uncertain significance. Review status: criteria provided, multiple submitters, no conflicts (2 of 4 stars). 5 submissions from 5 submitters: Uncertain significance (4). 1 of the submissions does not count toward it. Last evaluated 2026-07-06.

Conditions:
BBS1-related disorder. Also called: BBS1-related condition.
Bardet-Biedl syndrome 1 (BBS1). Identifiers: MedGen C2936862, MONDO:0008854, OMIM 209900. Disease mechanism: loss of function.
Bardet-Biedl syndrome (BBS). Identifiers: Orphanet 110, MedGen C0752166, MONDO:0015229.

Allele frequency attached by ClinVar (database versions not stated): ExAC 0.00002; gnomAD 0.00009; TOPMed 0.00016; gnomAD exomes 0.00002 and 0.00007.
gnomAD v4.1: 40 of 1,613,392 alleles (0.0025%); highest among the groups gnomAD compares: Admixed American, 0.05%; no homozygotes.

Submissions (5):

PreventionGenetics, part of Exact Sciences
Classification: Uncertain significance for BBS1-related condition. Last evaluated: 2026-07-06. Review status: criteria provided, single submitter. Criteria: ACMG Guidelines, 2015. Collection method: clinical testing. Allele origin: germline.
Comment: The BBS1 c.1021C>T variant is predicted to result in the amino acid substitution p.Arg341Trp. To our knowledge, this variant has not been reported in the literature in association with BBS1-established disease. This variant is reported in 0.040% of alleles in individuals of Latino descent in gnomAD. At this time, the clinical significance of this variant is uncertain due to the absence of conclusive functional and genetic evidence.

Blueprint Genetics
Classification: Uncertain significance. Last evaluated: 2024-09-25. Review status: criteria provided, single submitter. Criteria: ACMG Guidelines, 2015. Collection method: clinical testing. Allele origin: germline.

Labcorp Genetics (formerly Invitae), Labcorp
Classification: Uncertain significance for Bardet-Biedl syndrome. Last evaluated: 2022-02-06. Review status: criteria provided, single submitter. Criteria: Invitae Variant Classification Sherloc (09022015). Collection method: clinical testing. Allele origin: germline.
Comment: This sequence change replaces arginine, which is basic and polar, with tryptophan, which is neutral and slightly polar, at codon 341 of the BBS1 protein (p.Arg341Trp). This variant is present in population databases (rs767395683, gnomAD 0.04%). This variant has not been reported in the literature in individuals affected with BBS1-related conditions. ClinVar contains an entry for this variant (Variation ID: 944920). Algorithms developed to predict the effect of missense changes on protein structure and function are either unavailable or do not agree on the potential impact of this missense change (SIFT: "Deleterious"; PolyPhen-2: "Probably Damaging"; Align-GVGD: "Class C0"). In summary, the available evidence is currently insufficient to determine the role of this variant in disease. Therefore, it has been classified as a Variant of Uncertain Significance.

Fulgent Genetics
Classification: Uncertain significance for Bardet-Biedl syndrome 1. Last evaluated: 2021-12-25. Review status: criteria provided, single submitter. Criteria: ACMG Guidelines, 2015. Collection method: clinical testing. Allele origin: unknown.

Natera, Inc.
Classification: Uncertain significance for Bardet-Biedl syndrome type 1. Last evaluated: 2020-04-14. Review status: no assertion criteria provided. Collection method: clinical testing. Allele origin: germline. Not counted in ClinVar's aggregate classification.